The following is an entry in ClinVar:

ClinVar aggregate classification (germline): Uncertain significance (1 of 4 stars; one submission).

Conditions:
Hereditary cancer-predisposing syndrome. Also called: Neoplastic Syndromes, Hereditary; Hereditary neoplastic syndrome; Tumor predisposition; Hereditary Cancer Syndrome. Identifiers: Orphanet 140162, MedGen C0027672, MeSH D009386, MONDO:0015356.

Submission:

Ambry Genetics
Classification: Uncertain significance for Hereditary cancer-predisposing syndrome. Last evaluated: 2023-01-20. Review status: criteria provided, single submitter. Criteria: Ambry Variant Classification Scheme 2023. Collection method: clinical testing. Allele origin: germline.
Comment: The p.E119V variant (also known as c.356A>T), located in coding exon 1 of the ALK gene, results from an A to T substitution at nucleotide position 356. The glutamic acid at codon 119 is replaced by valine, an amino acid with dissimilar properties. This amino acid position is conserved. In addition, this alteration is predicted to be tolerated by in silico analysis. Since supporting evidence is limited at this time, the clinical significance of this alteration remains unclear.

NM_004304.5(ALK):c.356A>T (p.Glu119Val)

Gene: ALK (ALK receptor tyrosine kinase; minus strand). Cytogenetic location: 2p23.1.
Variant type: single nucleotide variant.
Coding change: c.356A>T on transcript NM_004304.5 (MANE Select); coding-DNA position 356, A replaced by T.
Protein change: p.Glu119Val; replaces glutamic acid 119 with valine.
Molecular consequence: missense variant.
Genome position (GRCh38, 1-based): chr2:29,920,304, T>A on the plus strand (A>T on the coding strand, the complement: ALK is on the minus strand). VCF-style: chr2-29920304-T-A. GRCh37 (hg19) VCF-style: chr2-30143170-T-A.
Other names: short protein forms E119V.
Identifiers: ClinVar variation 2477308 (VCV002477308.2), dbSNP rs2148443431, ClinGen allele CA346590198.
Genomic context (GRCh38, chr2:29,920,304, plus strand): 5'-TTGGCACGCCGGAGCTTGCGCACGGAGCCGCCCTTCAGCACCCTGGACAGCGTCCGGGCC[T>A]CTGCCGGGGCTGGTGAACCGGCGGTCCAGGAGACCCCCGGCGCCGGCCCCAGCAACCTGA-3'
Protein context (NP_004295.2, residues 109-129): SWTAGSPAPA[Glu119Val]ARTLSRVLKG